The following is an entry in ClinVar:

ClinVar aggregate classification (germline): Pathogenic. Review status: criteria provided, multiple submitters, no conflicts (2 of 4 stars). 2 submissions from 2 submitters: Pathogenic (2). Last evaluated 2025-08-14.

Conditions:
Marfan syndrome (MFS). Also called: MARFAN SYNDROME, TYPE I; FBN1-Related Marfan Syndrome; Marfan syndrome type 1; Marfan's syndrome; Marfan syndrome, classic. Identifiers: Orphanet 284963, Orphanet 558, MedGen C0024796, MONDO:0007947, OMIM 154700.
Familial thoracic aortic aneurysm and aortic dissection (TAAD). Also called: Thoracic aortic aneurysms and dissections. Identifiers: Orphanet 91387, MedGen C4707243, MONDO:0019625.

Submissions (2):

Labcorp Genetics (formerly Invitae), Labcorp
Classification: Pathogenic for Marfan syndrome; Familial thoracic aortic aneurysm and aortic dissection. Last evaluated: 2025-08-14. Review status: criteria provided, single submitter. Criteria: Invitae Variant Classification Sherloc (09022015). Collection method: clinical testing. Allele origin: germline.
Comment: This sequence change affects a donor splice site in intron 24 of the FBN1 gene. It is expected to disrupt RNA splicing. Variants that disrupt the donor or acceptor splice site typically lead to a loss of protein function (PMID: 16199547), and loss-of-function variants in FBN1 are known to be pathogenic (PMID: 17657824, 19293843). This variant is not present in population databases (gnomAD no frequency). Disruption of this splice site has been observed in individuals with Marfan syndrome (PMID: 24199744, 27906200; internal data). ClinVar contains an entry for this variant (Variation ID: 452451). Algorithms developed to predict the effect of sequence changes on RNA splicing suggest that this variant may disrupt the consensus splice site. For these reasons, this variant has been classified as Pathogenic.

GeneDx
Classification: Pathogenic. Last evaluated: 2017-10-11. Review status: criteria provided, single submitter. Criteria: GeneDx Variant Classification (06012015). Collection method: clinical testing. Allele origin: germline. Affected: yes.
Comment: This variant destroys the canonical splice donor site in intron 24 and is predicted to cause abnormal gene splicing. However, in the absence of functional mRNA studies, the physiological consequence of this variant cannot be precisely determined. Multiple other splicing variants in the FBN1 gene have been reported in HGMD in association with Marfan syndrome, including a different nucleotide change at the same canonical splice site (c.2854+1 G>A) (Stenson et al., 2014). Furthermore, the c.2854+1 G>T variant is not observed in large population cohorts (Lek et al., 2016).

Literature cited by the submitters: PubMed 16199547 (cited by Labcorp Genetics (formerly Invitae), Labcorp); PubMed 17657824 (cited by Labcorp Genetics (formerly Invitae), Labcorp); PubMed 19293843 (cited by Labcorp Genetics (formerly Invitae), Labcorp); PubMed 24199744 (cited by Labcorp Genetics (formerly Invitae), Labcorp); PubMed 27906200 (cited by Labcorp Genetics (formerly Invitae), Labcorp).

NM_000138.5(FBN1):c.2854+1G>T

Gene: FBN1 (fibrillin 1; minus strand). Cytogenetic location: 15q21.1.
Variant type: single nucleotide variant.
Coding change: c.2854+1G>T on transcript NM_000138.5 (MANE Select); the canonical splice donor site of the intron after coding-DNA position 2854, G replaced by T.
Molecular consequence: splice donor variant.
Genome position (GRCh38, 1-based): chr15:48,492,460, C>A on the plus strand (G>T on the coding strand, the complement: FBN1 is on the minus strand). VCF-style: chr15-48492460-C-A. GRCh37 (hg19) VCF-style: chr15-48784657-C-A.
Other names: c.2854+1G>T (NM_001406716.1).
Identifiers: ClinVar variation 452451 (VCV000452451.5), dbSNP rs112809590, ClinGen allele CA269535699.